The following is an entry in ClinVar:

NM_024596.5(MCPH1):c.149T>G (p.Val50Gly)

Gene: MCPH1 (microcephalin 1; plus strand). Cytogenetic location: 8p23.1.
Variant type: single nucleotide variant.
Coding change: c.149T>G on transcript NM_024596.5 (MANE Select); coding-DNA position 149, T replaced by G.
Protein change: p.Val50Gly; replaces valine 50 with glycine.
Molecular consequence: missense variant. On other transcripts: non-coding transcript variant (1).
Genome position (GRCh38, 1-based): chr8:6,414,799, T>G. VCF-style: chr8-6414799-T-G. GRCh37 (hg19) VCF-style: chr8-6272320-T-G.
Other names: c.149T>G, p.Val50Gly (NM_001172574.2, NM_001172575.2, NM_001322042.2 and 2 more transcripts); c.143T>G, p.Val48Gly (NM_001322043.2); c.47T>G, p.Val16Gly (NM_001322045.2); short protein forms V48G, V50G, V16G.
Identifiers: ClinVar variation 1032178 (VCV001032178.1), dbSNP rs566242931, ClinGen allele CA4610087.
Genomic context (GRCh38, chr8:6,414,799, plus strand): 5'-TTTTGTTTTCTGCATTTTGTCTACAGGTTTCAAAAACTTTTAACAAACAAGTAACTCACG[T>G]TATCTTCAAAGATGGCTACCAGAGCACTTGGGACAAAGCTCAGAAGAGAGGCGTAAAGCT-3'
Protein context (NP_078872.3, residues 40-60): SKTFNKQVTH[Val50Gly]IFKDGYQSTW

ClinVar aggregate classification (germline): Uncertain significance (1 of 4 stars; one submission).

Conditions:
Microcephaly 1, primary, autosomal recessive (MCPH1). Also called: PREMATURE CHROMOSOME CONDENSATION SYNDROME; PCC SYNDROME; PREMATURE CHROMOSOME CONDENSATION WITH MICROCEPHALY AND MENTAL RETARDATION. Identifiers: Orphanet 2512, MedGen C1855081, MONDO:0009617, OMIM 251200.

Allele frequency attached by ClinVar (database versions not stated): gnomAD exomes below 0.00001 and 0.00002; ExAC 0.00001; gnomAD 0.00003; TOPMed 0.00005; 1000 Genomes Project 0.00020; 1000 Genomes Project 30x 0.00031.
gnomAD v4.1: 41 of 1,613,960 alleles (0.0025%); highest among the groups gnomAD compares: Non-Finnish European, 0.0033%; no homozygotes.

Submission:

Baylor Genetics
Classification: Uncertain significance for Microcephaly 1, primary, autosomal recessive. Last evaluated: 2018-02-21. Review status: criteria provided, single submitter. Criteria: ACMG Guidelines, 2015. Collection method: clinical testing. Allele origin: paternal. Affected: yes.
Comment: This variant was determined to be of uncertain significance according to ACMG Guidelines, 2015 [PMID:25741868].